The following is an entry in ClinVar:

NM_018646.6(TRPV6):c.1646A>C (p.Tyr549Ser)

Gene: TRPV6 (transient receptor potential cation channel subfamily V member 6; minus strand). Cytogenetic location: 7q34.
Variant type: single nucleotide variant.
Coding change: c.1646A>C on transcript NM_018646.6 (MANE Select); coding-DNA position 1646, A replaced by C.
Protein change: p.Tyr549Ser; replaces tyrosine 549 with serine.
Molecular consequence: missense variant.
Genome position (GRCh38, 1-based): chr7:142,873,710, T>G on the plus strand (A>C on the coding strand, the complement: TRPV6 is on the minus strand). VCF-style: chr7-142873710-T-G. GRCh37 (hg19) VCF-style: chr7-142571463-T-G.
Other names: short protein forms Y549S.
Identifiers: ClinVar variation 3696428 (VCV003696428.2).

ClinVar aggregate classification (germline): Uncertain significance (1 of 4 stars; one submission).

gnomAD v4.1: 3 of 1,613,800 alleles (0.00019%); highest among the groups gnomAD compares: African/African-American, 0.004%; no homozygotes.

Submission:

Labcorp Genetics (formerly Invitae), Labcorp
Classification: Uncertain significance. Last evaluated: 2024-02-08. Review status: criteria provided, single submitter. Criteria: Invitae Variant Classification Sherloc (09022015). Collection method: clinical testing. Allele origin: germline.
Comment: This sequence change replaces tyrosine, which is neutral and polar, with serine, which is neutral and polar, at codon 549 of the TRPV6 protein (p.Tyr549Ser). The frequency data for this variant in the population databases is considered unreliable, as metrics indicate poor data quality at this position in the gnomAD database. This variant has not been reported in the literature in individuals affected with TRPV6-related conditions. Experimental studies and prediction algorithms are not available or were not evaluated, and the functional significance of this variant is currently unknown. In summary, the available evidence is currently insufficient to determine the role of this variant in disease. Therefore, it has been classified as a Variant of Uncertain Significance.